The following is an entry in ClinVar:

ClinVar aggregate classification (germline): Conflicting classifications of pathogenicity. Review status: criteria provided, conflicting classifications (1 of 4 stars). 3 submissions from 3 submitters: Uncertain significance (2); Likely benign (1). Last evaluated 2026-09-12.

Conditions:
TTN-related disorder. Also called: TTN-related condition; TTN-related disease; TTN-related disorders.

Allele frequency attached by ClinVar (database versions not stated): ExAC 0.00003; TOPMed 0.00005; gnomAD 0.00006.
gnomAD v4.1: 31 of 1,598,166 alleles (0.0019%); highest among the groups gnomAD compares: Admixed American, 0.0067%; no homozygotes.

Submissions (3):

PreventionGenetics, part of Exact Sciences
Classification: Uncertain significance for TTN-related condition. Last evaluated: 2026-09-12. Review status: criteria provided, single submitter. Criteria: ACMG Guidelines, 2015. Collection method: clinical testing. Allele origin: germline.
Comment: The TTN c.23068G>A variant is predicted to result in the amino acid substitution p.Ala7690Thr. To our knowledge, this variant has not been reported in the literature. This variant is reported in 0.0086% of alleles in individuals of Latino descent in gnomAD. At this time, the clinical significance of this variant is uncertain due to the absence of conclusive functional and genetic evidence.

Revvity Omics, Revvity
Classification: Uncertain significance. Last evaluated: 2023-06-06. Review status: criteria provided, single submitter. Criteria: ACMG Guidelines, 2015. Collection method: clinical testing. Allele origin: germline.

GeneDx
Classification: Likely benign. Last evaluated: 2020-09-02. Review status: criteria provided, single submitter. Criteria: GeneDx Variant Classification Process June 2021. Collection method: clinical testing. Allele origin: germline. Affected: yes.

NM_001267550.2(TTN):c.23068G>A (p.Ala7690Thr)

Gene: TTN (titin; minus strand). Cytogenetic location: 2q31.2.
Variant type: single nucleotide variant.
Coding change: c.23068G>A on transcript NM_001267550.2 (MANE Select); coding-DNA position 23068, G replaced by A.
Protein change: p.Ala7690Thr; replaces alanine 7690 with threonine.
Molecular consequence: missense variant. On other transcripts: intron variant (3).
Genome position (GRCh38, 1-based): chr2:178,720,951, C>T on the plus strand (G>A on the coding strand, the complement: TTN is on the minus strand). VCF-style: chr2-178720951-C-T. GRCh37 (hg19) VCF-style: chr2-179585678-C-T.
Other names: p.A7373T:GCC>ACC; c.22117G>A, p.Ala7373Thr (NM_001256850.1); c.19336G>A, p.Ala6446Thr (NM_133378.4); c.13282+17131G>A (NM_003319.4); c.13858+17131G>A (NM_133437.4); c.13657+17131G>A (NM_133432.3); short protein forms A7373T, A7690T, A6446T.
Identifiers: ClinVar variation 203319 (VCV000203319.7), dbSNP rs763029699, ClinGen allele CA312025.
Genomic context (GRCh38, chr2:178,720,951, plus strand): 5'-AAAGAAACAAAGAAGCTTAGTGTGTCTAACCTTTCACTGTCAACGCTGTGCTGCAGCTGG[C>T]GTCACCAACACCATTATGAGCCTCACAAATGTAGTCCCCGCTGTCTTCAGCACTAGCTTC-3'
Protein context (NP_001254479.2, residues 7680-7700): ICEAHNGVGD[Ala7690Thr]SCSTALTVKA